The following is an entry in ClinVar:

ClinVar aggregate classification (germline): Uncertain significance. Review status: criteria provided, multiple submitters, no conflicts (2 of 4 stars). 3 submissions from 3 submitters: Uncertain significance (3). Last evaluated 2026-04-15.

Conditions:
Inborn genetic diseases. Identifiers: MedGen C0950123, MeSH D030342.
Stickler syndrome, type 4 (STL4). Identifiers: Orphanet 250984, Orphanet 828, MedGen C3279941, MONDO:0013590, OMIM 614134.

Allele frequency attached by ClinVar (database versions not stated): gnomAD exomes 0.00001; gnomAD 0.00002 and 0.00001; ExAC 0.00001; TOPMed 0.00003; ESP Exome Variant Server 0.00008.

Submissions (3):

Dasa
Classification: Uncertain significance for Stickler syndrome, type 4. Last evaluated: 2026-04-15. Review status: criteria provided, single submitter. Criteria: DASA Assertion Criteria. Collection method: clinical testing. Allele origin: germline.
Comment: NM_001851.6(COL9A1):c.1150C>T (p.Pro384Ser) is a missense variant that results in the substitution of proline with serine. This variant has been observed in affected individuals with COL9A1-related disorders. Also, this variant is rare in population databases. The currently available literature and clinical evidence are not sufficient to establish a definitive association between this variant and the reported condition. Therefore, this variant is classified as a variant of uncertain significance.

Ambry Genetics
Classification: Uncertain significance for Inborn genetic diseases. Last evaluated: 2024-05-30. Review status: criteria provided, single submitter. Criteria: Ambry Variant Classification Scheme 2023. Collection method: clinical testing. Allele origin: germline.

Labcorp Genetics (formerly Invitae), Labcorp
Classification: Uncertain significance. Last evaluated: 2023-11-27. Review status: criteria provided, single submitter. Criteria: Invitae Variant Classification Sherloc (09022015). Collection method: clinical testing. Allele origin: germline.
Comment: This sequence change replaces proline, which is neutral and non-polar, with serine, which is neutral and polar, at codon 384 of the COL9A1 protein (p.Pro384Ser). This variant is present in population databases (rs148751593, gnomAD 0.004%). This variant has not been reported in the literature in individuals affected with COL9A1-related conditions. ClinVar contains an entry for this variant (Variation ID: 971435). Advanced modeling of protein sequence and biophysical properties (such as structural, functional, and spatial information, amino acid conservation, physicochemical variation, residue mobility, and thermodynamic stability) performed at Invitae indicates that this missense variant is not expected to disrupt COL9A1 protein function with a negative predictive value of 95%. In summary, the available evidence is currently insufficient to determine the role of this variant in disease. Therefore, it has been classified as a Variant of Uncertain Significance.

NM_001851.6(COL9A1):c.1150C>T (p.Pro384Ser)

Genes: COL9A1 (collagen type IX alpha 1 chain; minus strand), LOC129996692 (ATAC-STARR-seq lymphoblastoid active region 24730; plus strand). Cytogenetic location: 6q13.
Variant type: single nucleotide variant.
Coding change: c.1150C>T on transcript NM_001851.6 (MANE Select); coding-DNA position 1150, C replaced by T.
Protein change: p.Pro384Ser; replaces proline 384 with serine.
Molecular consequence: missense variant. On other transcripts: non-coding transcript variant (1).
Genome position (GRCh38, 1-based): chr6:70,270,361, G>A on the plus strand (C>T on the coding strand, the complement: COL9A1 is on the minus strand). VCF-style: chr6-70270361-G-A. GRCh37 (hg19) VCF-style: chr6-70980064-G-A.
Other names: c.421C>T, p.Pro141Ser (NM_001377289.1, NM_001377290.1, NM_078485.4); short protein forms P384S, P141S.
Identifiers: ClinVar variation 971435 (VCV000971435.14), dbSNP rs148751593, ClinGen allele CA3882369.